The following is an entry in ClinVar:

NM_000525.4(KCNJ11):c.985G>A (p.Asp329Asn)

Gene: KCNJ11 (potassium inwardly rectifying channel subfamily J member 11; minus strand). Cytogenetic location: 11p15.1.
Variant type: single nucleotide variant.
Coding change: c.985G>A on transcript NM_000525.4 (MANE Select); coding-DNA position 985, G replaced by A.
Protein change: p.Asp329Asn; replaces aspartic acid 329 with asparagine.
Molecular consequence: missense variant.
Genome position (GRCh38, 1-based): chr11:17,387,107, C>T on the plus strand (G>A on the coding strand, the complement: KCNJ11 is on the minus strand). VCF-style: chr11-17387107-C-T. GRCh37 (hg19) VCF-style: chr11-17408654-C-T.
Other names: c.724G>A, p.Asp242Asn (NM_001166290.2, NM_001377296.1, NM_001377297.1); short protein forms D242N, D329N.
Identifiers: ClinVar variation 3342279 (VCV003342279.1).

ClinVar aggregate classification (germline): Uncertain significance (1 of 4 stars; one submission).

Conditions:
Maturity-onset diabetes of the young type 13. Also called: MODY, TYPE 13. Identifiers: Orphanet 552, MedGen C4225365, MONDO:0014589, OMIM 616329.

Submission:

MVZ Medizinische Genetik Mainz
Classification: Uncertain significance for Maturity-onset diabetes of the young type 13. Last evaluated: 2024-09-02. Review status: criteria provided, single submitter. Criteria: UK Practice Guidelines For Variant Classification V4 01 2020. Collection method: clinical testing. Allele origin: germline. Inheritance: Autosomal dominant inheritance. Affected: yes. Observed: 1 variant allele.
Comment: ACMG Criteria: PP3_MOD,PM1_SUP,PM2_SUP